The following is an entry in ClinVar:

ClinVar aggregate classification (germline): Likely benign. Review status: criteria provided, multiple submitters, no conflicts (2 of 4 stars). 3 submissions from 3 submitters: Likely benign (2). 1 of the submissions does not count toward it. Last evaluated 2025-11-24.

Conditions:
RECQL4-related disorder. Also called: RECQL4-related disorders; RECQL4-related condition.
Baller-Gerold syndrome (BGS). Also called: CRANIOSYNOSTOSIS WITH RADIAL DEFECTS. Identifiers: Orphanet 1225, MedGen C0265308, MONDO:0009039, OMIM 218600.

Allele frequency attached by ClinVar (database versions not stated): gnomAD 0.00002 and 0.00003; TOPMed 0.00003.
gnomAD v4.1: 80 of 1,612,278 alleles (0.005%); highest among the groups gnomAD compares: South Asian, 0.06%; 2 homozygotes.

Submissions (3):

Labcorp Genetics (formerly Invitae), Labcorp
Classification: Likely benign for Baller-Gerold syndrome. Last evaluated: 2025-11-24. Review status: criteria provided, single submitter. Criteria: Invitae Variant Classification Sherloc (09022015). Collection method: clinical testing. Allele origin: germline.

Blueprint Genetics
Classification: Likely benign. Last evaluated: 2024-10-21. Review status: criteria provided, single submitter. Criteria: ACMG Guidelines, 2015. Collection method: clinical testing. Allele origin: germline.

PreventionGenetics, part of Exact Sciences
Classification: Likely benign for RECQL4-related condition. Last evaluated: 2019-03-27. Review status: no assertion criteria provided. Collection method: clinical testing. Allele origin: germline. Not counted in ClinVar's aggregate classification.
Comment: This variant is classified as likely benign based on ACMG/AMP sequence variant interpretation guidelines (Richards et al. 2015 PMID: 25741868, with internal and published modifications).

NM_004260.4(RECQL4):c.3519G>A (p.Pro1173=)

Gene: RECQL4 (RecQ like helicase 4; minus strand). Cytogenetic location: 8q24.3.
Variant type: single nucleotide variant.
Coding change: c.3519G>A on transcript NM_004260.4 (MANE Select); coding-DNA position 3519, G replaced by A.
Protein change: p.Pro1173=; no amino-acid change (proline 1173 retained).
Molecular consequence: synonymous variant.
Genome position (GRCh38, 1-based): chr8:144,511,539, C>T on the plus strand (G>A on the coding strand, the complement: RECQL4 is on the minus strand). VCF-style: chr8-144511539-C-T. GRCh37 (hg19) VCF-style: chr8-145736922-C-T.
Identifiers: ClinVar variation 414203 (VCV000414203.13), dbSNP rs754019797, ClinGen allele CA4947665.
Genomic context (GRCh38, chr8:144,511,539, plus strand): 5'-ATGGAAGCTCAGGTGCAGGTATTTTCTCCAGAAGCGTCGGTCCTGCCCGTACACCTGGGC[C>T]GGGTAGCAGGGGCTTCCTACGGTGGAGCCAAGACACAGCCGTGAGCCCCAGCCCCAGCCT-3'
Protein context (NP_004251.4, residues 1163-1183): IFHGIGSPCY[Pro1173=]AQVYGQDRRF